The following is an entry in ClinVar:

NM_004408.4(DNM1):c.1042G>A (p.Gly348Arg)

Gene: DNM1 (dynamin 1; plus strand). Cytogenetic location: 9q34.11.
Variant type: single nucleotide variant.
Coding change: c.1042G>A on transcript NM_004408.4 (MANE Select); coding-DNA position 1042, G replaced by A.
Protein change: p.Gly348Arg; replaces glycine 348 with arginine.
Molecular consequence: missense variant.
Genome position (GRCh38, 1-based): chr9:128,222,510, G>A. VCF-style: chr9-128222510-G-A. GRCh37 (hg19) VCF-style: chr9-130984789-G-A.
Other names: c.1042G>A, p.Gly348Arg (NM_001005336.3, NM_001288737.2, NM_001288738.2 and 2 more transcripts); short protein forms G348R.
Identifiers: ClinVar variation 1774566 (VCV001774566.2), dbSNP rs2538997382, ClinGen allele CA375016064.

ClinVar aggregate classification (germline): Uncertain significance (1 of 4 stars; one submission).

Conditions:
Inborn genetic diseases. Identifiers: MedGen C0950123, MeSH D030342.

Submission:

Ambry Genetics
Classification: Uncertain significance for Inborn genetic diseases. Last evaluated: 2020-03-24. Review status: criteria provided, single submitter. Criteria: Ambry Variant Classification Scheme 2023. Collection method: clinical testing. Allele origin: germline.
Comment: The p.G348R variant (also known as c.1042G>A), located in coding exon 8 of the DNM1 gene, results from a G to A substitution at nucleotide position 1042. The glycine at codon 348 is replaced by arginine, an amino acid with dissimilar properties. This amino acid position is highly conserved in available vertebrate species. In addition, this alteration is predicted to be deleterious by in silico analysis. Since supporting evidence is limited at this time, the clinical significance of this alteration remains unclear.